The following is an entry in ClinVar:

NM_000918.4(P4HB):c.994G>A (p.Glu332Lys)

Gene: P4HB (prolyl 4-hydroxylase subunit beta; minus strand). Cytogenetic location: 17q25.3.
Variant type: single nucleotide variant.
Coding change: c.994G>A on transcript NM_000918.4 (MANE Select); coding-DNA position 994, G replaced by A.
Protein change: p.Glu332Lys; replaces glutamic acid 332 with lysine.
Molecular consequence: missense variant.
Genome position (GRCh38, 1-based): chr17:81,846,491, C>T on the plus strand (G>A on the coding strand, the complement: P4HB is on the minus strand). VCF-style: chr17-81846491-C-T. GRCh37 (hg19) VCF-style: chr17-79804367-C-T.
Other names: short protein forms E332K.
Identifiers: ClinVar variation 2631813 (VCV002631813.1), dbSNP rs2509950922, ClinGen allele CA401508507.
Genomic context (GRCh38, chr17:81,846,491, plus strand): 5'-TGATTTTGCCCTCCAGGAAGCGGTGGCAGAACTCTGTGATCCTCTCTGCCGTCAGCTCCT[C>T]CGATTCGGGCTTGTACTTGGTCATCTCCTCCTCCAGGGTGATGAGGCGCACGGCCGGGCA-3'
Protein context (NP_000909.2, residues 322-342): EEMTKYKPES[Glu332Lys]ELTAERITEF

ClinVar aggregate classification (germline): Uncertain significance (1 of 4 stars; one submission).

Conditions:
P4HB-related disorder. Also called: P4HB-related condition.

Allele frequency attached by ClinVar (database versions not stated): gnomAD exomes 0.00001.

Submission:

PreventionGenetics, part of Exact Sciences
Classification: Uncertain significance for P4HB-related condition. Last evaluated: 2023-08-02. Review status: criteria provided, single submitter. Criteria: ACMG Guidelines, 2015. Collection method: clinical testing. Allele origin: germline.
Comment: The P4HB c.994G>A variant is predicted to result in the amino acid substitution p.Glu332Lys. To our knowledge, this variant has not been reported in the literature or in a large population database, indicating this variant is rare. At this time, the clinical significance of this variant is uncertain due to the absence of conclusive functional and genetic evidence.